The following is an entry in ClinVar:

NM_000179.3(MSH6):c.3992_4001+18dup

Gene: MSH6 (mutS homolog 6; plus strand). Cytogenetic location: 2p16.3.
Variant type: Duplication.
Coding change: c.3992_4001+18dup on transcript NM_000179.3 (MANE Select); coding-DNA position 3992 through 18 bases into the intron after coding-DNA position 4001, 28 bases duplicated (GATTATTTCGGTAACTAACTAACTATAA).
Molecular consequence: splice donor variant.
Genome position (GRCh38, 1-based): chr2:47,806,642-47,806,669, GATTATTTCGGTAACTAACTAACTATAA duplicated. VCF-style (leftmost placement, unchanged base first): chr2-47806641-C-CGATTATTTCGGTAACTAACTAACTATAA. GRCh37 (hg19) VCF-style: chr2-48033780-C-CGATTATTTCGGTAACTAACTAACTATAA.
Other names: c.3086_3095+18dup (NM_001281493.2, NM_001281494.2); c.3602_3611+18dup (NM_001281492.2).
Identifiers: ClinVar variation 1736780 (VCV001736780.3), dbSNP rs2530878845, ClinGen allele CA2580067538.
Genomic context (GRCh38, chr2:47,806,641, plus strand): 5'-GAAGTTATTCAAAAGGGACATAGAAAAGCAAGAGAATTTGAGAAGATGAATCAGTCACTA[C>CGATTATTTCGGTAACTAACTAACTATAA]GATTATTTCGGTAACTAACTAACTATAATGGAATTATAACTAACTGACCTTAAGTTTCAA-3'

ClinVar aggregate classification (germline): Uncertain significance (1 of 4 stars; one submission).

Conditions:
Hereditary cancer-predisposing syndrome. Also called: Tumor predisposition; Hereditary Cancer Syndrome; Hereditary neoplastic syndrome; Neoplastic Syndromes, Hereditary. Identifiers: Orphanet 140162, MedGen C0027672, MeSH D009386, MONDO:0015356.

Submission:

Ambry Genetics
Classification: Uncertain significance for Hereditary cancer-predisposing syndrome. Last evaluated: 2026-02-11. Review status: criteria provided, single submitter. Criteria: Ambry Variant Classification Scheme 2023. Collection method: clinical testing. Allele origin: germline.
Comment: The c.3992_4001+18dup28 variant results from a duplication of 28 nucleotides between positions c.3992 and c.4001+18 and involves the canonical splice donor site after coding exon 9 of the MSH6 gene. Using the BDGP and ESEfinder splice site prediction tools, the strength of the native donor splice site is predicted to be maintained and the donor site sequence would also be duplicated 28 nucleotides downstream. Based on the available evidence, the clinical significance of this variant remains unclear.